The following is an entry in ClinVar:

ClinVar aggregate classification (germline): Uncertain significance (1 of 4 stars; one submission).

gnomAD v4.1: 3 of 1,609,746 alleles (0.00019%); highest among the groups gnomAD compares: African/African-American, 0.0027%; no homozygotes.

Submission:

GeneDx
Classification: Uncertain significance. Last evaluated: 2024-02-13. Review status: criteria provided, single submitter. Criteria: GeneDx Variant Classification Process June 2021. Collection method: clinical testing. Allele origin: germline. Affected: yes.
Comment: Has not been previously published as pathogenic or benign to our knowledge; Not observed at significant frequency in large population cohorts (gnomAD); In silico analysis supports that this missense variant does not alter protein structure/function

NM_020433.5(JPH2):c.1886C>G (p.Pro629Arg)

Gene: JPH2 (junctophilin 2; minus strand). Cytogenetic location: 20q13.12.
Variant type: single nucleotide variant.
Coding change: c.1886C>G on transcript NM_020433.5 (MANE Select); coding-DNA position 1886, C replaced by G.
Protein change: p.Pro629Arg; replaces proline 629 with arginine.
Molecular consequence: missense variant.
Genome position (GRCh38, 1-based): chr20:44,115,789, G>C on the plus strand (C>G on the coding strand, the complement: JPH2 is on the minus strand). VCF-style: chr20-44115789-G-C. GRCh37 (hg19) VCF-style: chr20-42744429-G-C.
Other names: short protein forms P629R.
Identifiers: ClinVar variation 3369211 (VCV003369211.1).